The following is an entry in ClinVar:

NM_014908.4(DOLK):c.216G>T (p.Gln72His)

Gene: DOLK (dolichol kinase; minus strand). Cytogenetic location: 9q34.11.
Variant type: single nucleotide variant.
Coding change: c.216G>T on transcript NM_014908.4 (MANE Select); coding-DNA position 216, G replaced by T.
Protein change: p.Gln72His; replaces glutamine 72 with histidine.
Molecular consequence: missense variant.
Genome position (GRCh38, 1-based): chr9:128,947,088, C>A on the plus strand (G>T on the coding strand, the complement: DOLK is on the minus strand). VCF-style: chr9-128947088-C-A. GRCh37 (hg19) VCF-style: chr9-131709367-C-A.
Other names: short protein forms Q72H.
Identifiers: ClinVar variation 861679 (VCV000861679.8), dbSNP rs767180137, ClinGen allele CA5271779.
Genomic context (GRCh38, chr9:128,947,088, plus strand): 5'-TCCAAGCAAAGGCATGACCATGGAGGCGGGCAATAGGCCACTGTTTGCGGACATTCGGAA[C>A]TGGAAGACGGCGCTTCCCTGCTGTAGCAGCCGGTCCCACTTGTATTGGACGTAGAAGGCC-3'
Protein context (NP_055723.1, residues 62-82): RLLQQGSAVF[Gln72His]FRMSANSGLL

ClinVar aggregate classification (germline): Uncertain significance. Review status: criteria provided, multiple submitters, no conflicts (2 of 4 stars). 2 submissions from 2 submitters: Uncertain significance (2). Last evaluated 2023-12-29.

Conditions:
DK1-congenital disorder of glycosylation. Also called: DOLK-congenital disorder of glycosylation; Carbohydrate deficient glycoprotein syndrome type 1m; DK1-CDG; CONGENITAL DISORDER OF GLYCOSYLATION, TYPE Im; CDG Im; DK1 DEFICIENCY. Identifiers: Orphanet 91131, MedGen C1835849, MONDO:0012556, OMIM 610768.
Cardiovascular phenotype. Identifiers: MedGen CN230736.

Allele frequency attached by ClinVar (database versions not stated): ExAC 0.00001; gnomAD 0.00001; gnomAD exomes 0.00001 and 0.00002; TOPMed 0.00002.
gnomAD v4.1: 23 of 1,613,886 alleles (0.0014%); highest among the groups gnomAD compares: Non-Finnish European, 0.0019%; no homozygotes.

Submissions (2):

Ambry Genetics
Classification: Uncertain significance for Cardiovascular phenotype. Last evaluated: 2023-12-29. Review status: criteria provided, single submitter. Criteria: Ambry Variant Classification Scheme 2023. Collection method: clinical testing. Allele origin: germline.
Comment: The p.Q72H variant (also known as c.216G>T), located in coding exon 1 of the DOLK gene, results from a G to T substitution at nucleotide position 216. The glutamine at codon 72 is replaced by histidine, an amino acid with highly similar properties. This amino acid position is conserved. In addition, the in silico prediction for this alteration is inconclusive. Since supporting evidence is limited at this time, the clinical significance of this alteration remains unclear.

Labcorp Genetics (formerly Invitae), Labcorp
Classification: Uncertain significance for DK1-congenital disorder of glycosylation. Last evaluated: 2022-07-17. Review status: criteria provided, single submitter. Criteria: Invitae Variant Classification Sherloc (09022015). Collection method: clinical testing. Allele origin: germline.
Comment: This sequence change replaces glutamine, which is neutral and polar, with histidine, which is basic and polar, at codon 72 of the DOLK protein (p.Gln72His). This variant is present in population databases (rs767180137, gnomAD 0.004%). This variant has not been reported in the literature in individuals affected with DOLK-related conditions. ClinVar contains an entry for this variant (Variation ID: 861679). Algorithms developed to predict the effect of missense changes on protein structure and function are either unavailable or do not agree on the potential impact of this missense change (SIFT: "Tolerated"; PolyPhen-2: "Possibly Damaging"; Align-GVGD: "Class C0"). In summary, the available evidence is currently insufficient to determine the role of this variant in disease. Therefore, it has been classified as a Variant of Uncertain Significance.